The following is an entry in ClinVar:

NM_000051.4(ATM):c.3062T>G (p.Val1021Gly)

Gene: ATM (ATM serine/threonine kinase; plus strand). Cytogenetic location: 11q22.3.
Variant type: single nucleotide variant.
Coding change: c.3062T>G on transcript NM_000051.4 (MANE Select); coding-DNA position 3062, T replaced by G.
Protein change: p.Val1021Gly; replaces valine 1021 with glycine.
Molecular consequence: missense variant.
Genome position (GRCh38, 1-based): chr11:108,271,391, T>G. VCF-style: chr11-108271391-T-G. GRCh37 (hg19) VCF-style: chr11-108142118-T-G.
Other names: c.3062T>G, p.Val1021Gly (NM_001351834.2); short protein forms V1021G.
Identifiers: ClinVar variation 185714 (VCV000185714.7), dbSNP rs786202399, ClinGen allele CA192706.

ClinVar aggregate classification (germline): Uncertain significance. Review status: criteria provided, multiple submitters, no conflicts (2 of 4 stars). 2 submissions from 2 submitters: Uncertain significance (2). Last evaluated 2024-10-08.

Conditions:
Hereditary cancer-predisposing syndrome. Also called: Hereditary neoplastic syndrome; Neoplastic Syndromes, Hereditary; Tumor predisposition; Hereditary Cancer Syndrome. Identifiers: Orphanet 140162, MedGen C0027672, MeSH D009386, MONDO:0015356.

Submissions (2):

Ambry Genetics
Classification: Uncertain significance for Hereditary cancer-predisposing syndrome. Last evaluated: 2024-10-08. Review status: criteria provided, single submitter. Criteria: Ambry Variant Classification Scheme 2023. Collection method: clinical testing. Allele origin: germline.
Comment: The p.V1021G variant (also known as c.3062T>G), located in coding exon 19 of the ATM gene, results from a T to G substitution at nucleotide position 3062. The valine at codon 1021 is replaced by glycine, an amino acid with dissimilar properties. This amino acid position is highly conserved in available vertebrate species. In addition, this alteration is predicted to be deleterious by in silico analysis. Based on the available evidence, the clinical significance of this variant remains unclear.

GeneDx
Classification: Uncertain significance. Last evaluated: 2023-04-18. Review status: criteria provided, single submitter. Criteria: GeneDx Variant Classification Process June 2021. Collection method: clinical testing. Allele origin: germline. Affected: yes.
Comment: Not observed at significant frequency in large population cohorts (gnomAD); In silico analysis supports that this missense variant has a deleterious effect on protein structure/function; Has not been previously published as pathogenic or benign to our knowledge; This variant is associated with the following publications: (PMID: 19781682)